The following is an entry in ClinVar:

NM_000459.5(TEK):c.*206A>C

Gene: TEK (TEK receptor tyrosine kinase; plus strand). Cytogenetic location: 9p21.2.
Variant type: single nucleotide variant.
Coding change: c.*206A>C on transcript NM_000459.5 (MANE Select); 206 bases downstream of the stop codon, A replaced by C.
Molecular consequence: 3 prime UTR variant.
Genome position (GRCh38, 1-based): chr9:27,229,438, A>C. VCF-style: chr9-27229438-A-C. GRCh37 (hg19) VCF-style: chr9-27229436-A-C.
Other names: c.*206A>C (NM_001290077.2, NM_001290078.2, NM_001375475.1 and 1 more transcripts).
Identifiers: ClinVar variation 366459 (VCV000366459.6), dbSNP rs45521836, ClinGen allele CA10633400.
Genomic context (GRCh38, chr9:27,229,438, plus strand): 5'-CCATGCATGGATCTATGTAGTATGCTCTGACTCTAATAGGACTGTATATACTGTTTTAAG[A>C]ATGGGCTGAAATCAGAATGCCTGTTTGTGGTTTCATATGCAATAATATATTTTTTTAAAA-3'

ClinVar aggregate classification (germline): Benign. Review status: criteria provided, multiple submitters, no conflicts (2 of 4 stars). 2 submissions from 2 submitters: Benign (2). Last evaluated 2018-01-12.

Conditions:
Multiple cutaneous and mucosal venous malformations (VMCM). Also called: TEK-Related Multiple Cutaneous and Mucosal Venous Malformations (VMCM). Identifiers: Orphanet 2451, MedGen C1838437, MONDO:0010842, OMIM 600195.

Allele frequency attached by ClinVar (database versions not stated): TOPMed 0.00641; 1000 Genomes Project 0.00240; gnomAD 0.00582 and 0.00605; 1000 Genomes Project 30x 0.00265; gnomAD exomes 0.00708.
gnomAD v4.1: 4,011 of 594,404 alleles (0.67%); highest among the groups gnomAD compares: Middle Eastern, 1.5%; 24 homozygotes.

Submissions (2):

Illumina Laboratory Services, Illumina
Classification: Benign for Multiple cutaneous and mucosal venous malformations. Last evaluated: 2018-01-12. Review status: criteria provided, single submitter. Criteria: ICSL Variant Classification Criteria 13 December 2019. Collection method: clinical testing. Allele origin: germline.
Comment: This variant was observed in the ICSL laboratory as part of a predisposition screen in an ostensibly healthy population. It had not been previously curated by ICSL or reported in the Human Gene Mutation Database (HGMD: prior to June 1st, 2018), and was therefore a candidate for classification through an automated scoring system. Utilizing variant allele frequency, disease prevalence and penetrance estimates, and inheritance mode, an automated score was calculated to assess if this variant is too frequent to cause the disease. Based on the score and internal cut-off values, a variant classified as benign is not then subjected to further curation. The score for this variant resulted in a classification of benign for this disease.

Breakthrough Genomics
Classification: Benign. Review status: criteria provided, single submitter. Criteria: ACMG Guidelines, 2015. Collection method: not provided. Allele origin: germline. Inheritance: Autosomal dominant inheritance. Affected: yes.